The following is an entry in ClinVar:

NM_005257.6(GATA6):c.1001C>A (p.Pro334Gln)

Gene: GATA6 (GATA binding protein 6; plus strand). Cytogenetic location: 18q11.2.
Variant type: single nucleotide variant.
Coding change: c.1001C>A on transcript NM_005257.6 (MANE Select); coding-DNA position 1001, C replaced by A.
Protein change: p.Pro334Gln; replaces proline 334 with glutamine.
Molecular consequence: missense variant.
Genome position (GRCh38, 1-based): chr18:22,172,145, C>A. VCF-style: chr18-22172145-C-A. GRCh37 (hg19) VCF-style: chr18-19752106-C-A.
Other names: short protein forms P334Q.
Identifiers: ClinVar variation 4071911 (VCV004071911.1).

ClinVar aggregate classification (germline): Uncertain significance (1 of 4 stars; one submission).

gnomAD v4.1: 8 of 1,530,266 alleles (0.00052%); highest among the groups gnomAD compares: Non-Finnish European, 0.0007%; no homozygotes.

Submission:

GeneDx
Classification: Uncertain significance. Last evaluated: 2025-01-26. Review status: criteria provided, single submitter. Criteria: GeneDx Variant Classification Process June 2021. Collection method: clinical testing. Allele origin: germline. Affected: yes.
Comment: Not observed at significant frequency in large population cohorts (gnomAD); In silico analysis supports that this missense variant has a deleterious effect on protein structure/function; Has not been previously published as pathogenic or benign to our knowledge